The following is an entry in ClinVar:

ClinVar aggregate classification (germline): Uncertain significance (1 of 4 stars; one submission).

Submission:

CeGaT Center for Human Genetics Tuebingen
Classification: Uncertain significance. Last evaluated: 2022-12-01. Review status: criteria provided, single submitter. Criteria: CeGaT Center For Human Genetics Tuebingen Variant Classification Criteria Version 2. Collection method: clinical testing. Allele origin: germline. Affected: yes. Observed: 1 variant allele.
Comment: EPHB4: PM2

NM_004444.5(EPHB4):c.991G>T (p.Val331Phe)

Gene: EPHB4 (EPH receptor B4; minus strand). Cytogenetic location: 7q22.1.
Variant type: single nucleotide variant.
Coding change: c.991G>T on transcript NM_004444.5 (MANE Select); coding-DNA position 991, G replaced by T.
Protein change: p.Val331Phe; replaces valine 331 with phenylalanine.
Molecular consequence: missense variant.
Genome position (GRCh38, 1-based): chr7:100,819,863, C>A on the plus strand (G>T on the coding strand, the complement: EPHB4 is on the minus strand). VCF-style: chr7-100819863-C-A. GRCh37 (hg19) VCF-style: chr7-100417485-C-A.
Other names: short protein forms V331F.
Identifiers: ClinVar variation 2657773 (VCV002657773.24), dbSNP rs2485036541, ClinGen allele CA368576997.
Genomic context (GRCh38, chr7:100,819,863, plus strand): 5'-CACCAGACTCCAGGGGGGCACTCCATTCCAGGTGCAGGGAGGAGCCGTTCAGGCGGGAAA[C>A]CACGCTCCGCGGAGCCGAAGGAGGGGCTGCAGGAGACCAGGGAGTCAGGCAGAGGCCGAC-3'
Protein context (NP_004435.3, residues 321-341): TTPPSAPRSV[Val331Phe]SRLNGSSLHL